The following is an entry in ClinVar:

ClinVar aggregate classification (germline): Conflicting classifications of pathogenicity. Review status: criteria provided, conflicting classifications (1 of 4 stars). 7 submissions from 7 submitters: Likely pathogenic (1); Uncertain significance (6). Last evaluated 2025-01-13.

Conditions:
Cardiovascular phenotype. Identifiers: MedGen CN230736.
Cardiomyopathy (CMYO). Also called: Cardiomyopathies. Identifiers: Orphanet 167848, MedGen C0878544, MONDO:0004994, HP:0001638. Inheritance: Various modes of inheritance.
Hypertrophic cardiomyopathy 2. Also called: TNNT2-Related Familial Hypertrophic Cardiomyopathy. Identifiers: MedGen C1861864, MONDO:0007266, OMIM 115195.
Dilated cardiomyopathy 1D. Identifiers: Orphanet 154, Orphanet 54260, MedGen C1832243, MONDO:0011095, OMIM 601494.
Cardiomyopathy, familial restrictive, 3. Identifiers: Orphanet 75249, MedGen C2676271, MONDO:0012900, OMIM 612422.

Submissions (7):

Women's Health and Genetics/Laboratory Corporation of America, LabCorp
Classification: Uncertain significance. Last evaluated: 2025-01-13. Review status: criteria provided, single submitter. Criteria: LabCorp Variant Classification Summary - May 2015. Collection method: clinical testing. Allele origin: germline.
Comment: Variant summary: TNNT2 c.345delA (p.Glu116ArgfsX66) results in a premature termination codon, predicted to cause a truncation of the encoded protein or absence of the protein due to nonsense mediated decay, however current evidence is not sufficient to establish loss of function as a mechanism for disease. The variant was absent in 251496 control chromosomes. The available data on variant occurrences in the general population are insufficient to allow any conclusion about variant significance. c.345delA has been reported in the literature in individuals affected with Cardiomyopathy (example: Marinakis_2021). These report(s) do not provide unequivocal conclusions about association of the variant with Cardiomyopathy. To our knowledge, no experimental evidence demonstrating an impact on protein function has been reported. The following publication has been ascertained in the context of this evaluation (PMID: 34008892). ClinVar contains an entry for this variant (Variation ID: 654045). Based on the evidence outlined above, the variant was classified as uncertain significance.

Labcorp Genetics (formerly Invitae), Labcorp
Classification: Uncertain significance for Cardiomyopathy, familial restrictive, 3; Hypertrophic cardiomyopathy 2; Dilated cardiomyopathy 1D. Last evaluated: 2024-12-18. Review status: criteria provided, single submitter. Criteria: Invitae Variant Classification Sherloc (09022015). Collection method: clinical testing. Allele origin: germline.
Comment: This sequence change creates a premature translational stop signal (p.Glu116Argfs*66) in the TNNT2 gene. It is expected to result in an absent or disrupted protein product. However, the current clinical and genetic evidence is not sufficient to establish whether loss-of-function variants in TNNT2 cause disease. This variant is not present in population databases (gnomAD no frequency). This variant has not been reported in the literature in individuals affected with TNNT2-related conditions. ClinVar contains an entry for this variant (Variation ID: 654045). In summary, the available evidence is currently insufficient to determine the role of this variant in disease. Therefore, it has been classified as a Variant of Uncertain Significance.

All of Us Research Program, National Institutes of Health
Classification: Uncertain significance for Cardiomyopathy. Last evaluated: 2023-08-08. Review status: criteria provided, single submitter. Criteria: ACMG Guidelines, 2015. Collection method: clinical testing. Allele origin: germline. Inheritance: Autosomal dominant inheritance. Observed: 1 variant allele, 1 heterozygote.
Comment: This variant deletes 1 nucleotide in exon 9 of the TNNT2 gene, creating a frameshift and premature translation stop signal. This variant is expected to result in an absent or non-functional protein product. To our knowledge, functional studies have not been reported for this variant. This variant has been reported in individuals affected with dilated cardiomyopathy (PMID: 30847666, 34008892). This variant has not been identified in the general population by the Genome Aggregation Database (gnomAD). Clinical relevance of loss-of-function TNNT2 truncation variants in autosomal dominant cardiovascular disorders is not clearly established. The available evidence is insufficient to determine the role of this variant in disease conclusively. Therefore, this variant is classified as a Variant of Uncertain Significance.

This study involves interpretation of variants in research participants for the purpose of population health screening. Participant phenotype was not available at the time of variant classification. Additional details can be found in publication PMID: 35346344, PMCID: PMC8962531

Color Diagnostics, LLC DBA Color Health
Classification: Uncertain significance for Cardiomyopathy. Last evaluated: 2023-07-25. Review status: criteria provided, single submitter. Criteria: ACMG Guidelines, 2015. Collection method: clinical testing. Allele origin: germline.
Comment: This variant deletes 1 nucleotide in exon 9 of the TNNT2 gene, creating a frameshift and premature translation stop signal. This variant is expected to result in an absent or non-functional protein product. To our knowledge, functional studies have not been reported for this variant. This variant has been reported in individuals affected with dilated cardiomyopathy (PMID: 30847666, 34008892). This variant has not been identified in the general population by the Genome Aggregation Database (gnomAD). Clinical relevance of loss-of-function TNNT2 truncation variants in autosomal dominant cardiovascular disorders is not clearly established. The available evidence is insufficient to determine the role of this variant in disease conclusively. Therefore, this variant is classified as a Variant of Uncertain Significance.

Ambry Genetics
Classification: Uncertain significance for Cardiovascular phenotype. Last evaluated: 2023-04-10. Review status: criteria provided, single submitter. Criteria: Ambry Variant Classification Scheme 2023. Collection method: clinical testing. Allele origin: germline.
Comment: The c.345delA variant, located in coding exon 8 of the TNNT2 gene, results from a deletion of one nucleotide at nucleotide position 345, causing a translational frameshift with a predicted alternate stop codon (p.E116Rfs*66). This variant (also referred to as c.375delA, p.Glu126Argfs*66) has been detected in an individual referred for dilated cardiomyopathy genetic testing and in an individual with phenylketonuria and cardiomyopathy; however, details were limited (van Lint FHM et al. Neth Heart J, 2019 Jun;27:304-309; Marinakis NM et al. Am J Med Genet A, 2021 Aug;185:2561-2571). This alteration is expected to result in protein truncation or nonsense-mediated mRNA decay. However, loss of function of TNNT2 has not been established as a mechanism of disease. Since supporting evidence is limited at this time, the clinical significance of this alteration remains unclear.

Laboratory of Medical Genetics, National & Kapodistrian University of Athens
Classification: Likely pathogenic for Dilated cardiomyopathy 1D. Last evaluated: 2021-10-01. Review status: criteria provided, single submitter. Criteria: ACMG Guidelines, 2015. Collection method: clinical testing. Allele origin: paternal. Affected: yes.
Comment: PVS1, PM2, PP3

AiLife Diagnostics
Classification: Uncertain significance. Last evaluated: 2021-09-21. Review status: criteria provided, single submitter. Criteria: ACMG Guidelines, 2015. Collection method: clinical testing. Allele origin: germline. Affected: yes. Observed: 1 variant allele.

Literature cited by the submitters: PubMed 34008892 (cited by 4 submitters); PubMed 30847666 (cited by 4 submitters).

NM_001276345.2(TNNT2):c.375del (p.Glu126fs)

Gene: TNNT2 (troponin T2, cardiac type; minus strand). Cytogenetic location: 1q32.1.
Variant type: Deletion.
Coding change: c.375del on transcript NM_001276345.2 (MANE Select); coding-DNA position 375, one base deleted (A; older notation c.375delA).
Protein change: p.Glu126fs; shifts the reading frame from glutamic acid 126.
Molecular consequence: frameshift variant. On other transcripts: intron variant (1).
Genome position (GRCh38, 1-based): chr1:201,365,227, T deleted on the plus strand (A on the coding strand, the reverse complement: TNNT2 is on the minus strand); the first of 3 consecutive T bases (chr1:201,365,227-201,365,229); deleting any one gives the same sequence. VCF-style (leftmost placement, unchanged base first): chr1-201365226-CT-C. GRCh37 (hg19) VCF-style: chr1-201334354-CT-C.
Other names: c.375del, p.Glu126fs (NM_000364.4); c.345del, p.Glu116fs (NM_001001430.3, NM_001001431.3, NM_001276347.2); c.330del, p.Glu111fs (NM_001001432.3); c.291+383del (NM_001276346.2); c.375delA (NM_001276345.2); c.345delA (NM_001001430.1, NM_001001430.3); short protein forms E116fs, E126fs, E111fs.
Identifiers: ClinVar variation 654045 (VCV000654045.18), dbSNP rs560019679, ClinGen allele CA090359.
Genomic context (GRCh38, chr1:201,365,226, plus strand): 5'-TTAGGTGGGCAGACTGGACACCTACGATCCTGTCTTTGAGAGAAACGAGCTCCTCCTCCT[CT>C]TTCTTCCTGTTCTCAAAGTGAGCCTCGATCAGCGCCTGCAACTCATTCAGGTCCTTCTCC-3'